The following is an entry in ClinVar:

ClinVar aggregate classification (germline): Conflicting classifications of pathogenicity. Review status: criteria provided, conflicting classifications (1 of 4 stars). 9 submissions from 9 submitters: Pathogenic (3); Likely pathogenic (5); Uncertain significance (1). Last evaluated 2026-01-13.

Conditions:
CFTR-related disorder (CFTR-RD). Also called: CFTR-related disorders; CFTR-related condition. Identifiers: MedGen C5924204, MONDO:7770004.
Bronchiectasis with or without elevated sweat chloride 1 (BESC1). Also called: Cystic Fibrosis-Like Syndrome. Identifiers: Orphanet 60033, MedGen C2749757, MONDO:0008887, OMIM 211400.
Hereditary pancreatitis (PCTT). Also called: PRSS1-Related Hereditary Pancreatitis; Hereditary chronic pancreatitis. Identifiers: Orphanet 676, MedGen C0238339, MONDO:0008185, OMIM 167800.
Cystic fibrosis (CF). Also called: MUCOVISCIDOSIS. Identifiers: Orphanet 586, MedGen C0010674, MONDO:0009061, OMIM 219700. Disease mechanism: loss of function.
Congenital bilateral aplasia of vas deferens from CFTR mutation (CBAVD). Identifiers: Orphanet 48, MedGen C0403814, MONDO:0010178, OMIM 277180. Disease mechanism: loss of function.

Allele frequency attached by ClinVar (database versions not stated): gnomAD 0.00001; gnomAD exomes 0.00001.
gnomAD v4.1: 10 of 1,612,524 alleles (0.00062%); highest among the groups gnomAD compares: Admixed American, 0.0017%; no homozygotes.

Submissions (9):

Women's Health and Genetics/Laboratory Corporation of America, LabCorp
Classification: Pathogenic for Cystic fibrosis. Last evaluated: 2026-01-13. Review status: criteria provided, single submitter. Criteria: LabCorp Variant Classification Summary - May 2015. Collection method: clinical testing. Allele origin: germline.
Comment: Variant summary: CFTR c.476T>C (p.Leu159Ser) results in a non-conservative amino acid change located in the ABC transporter type 1, transmembrane domain of the encoded protein sequence. Algorithms developed to predict the effect of missense changes on protein structure and function all suggest that this variant is likely to be disruptive. The variant allele was found at a frequency of 8e-06 in 248770 control chromosomes. c.476T>C has been reported in the literature in individuals affected with Cystic Fibrosis or related disorders (e.g. Goubau_2009, Trujillano_2013, Claustres_2017, Minso_2020). These data indicate that the variant is likely to be associated with disease. At least one publication reports experimental evidence evaluating an impact on protein function. The most pronounced variant effect results in <10% of normal activity (Bihler_2024). The following publications have been ascertained in the context of this evaluation (PMID: 17331079, 28603918, 19318346, 33020115, 17481968, 23687349, 38388235). ClinVar contains an entry for this variant (Variation ID: 53962). Based on the evidence outlined above, the variant was classified as pathogenic.

Natera, Inc.
Classification: Likely pathogenic for CFTR-related disorders. Last evaluated: 2025-12-17. Review status: criteria provided, single submitter. Criteria: Natera Variant Classification Schema (03/2026). Collection method: clinical testing. Allele origin: germline.
Comment: The c.476T>C variant in CFTR is a missense variant predicted to cause substitution of leucine to serine at amino acid 159. This variant is rare in the general population with a frequency below the threshold expected for the associated phenotype(s). This variant has been observed in one or more individuals affected with the associated recessive disease, as either homozygous or compound heterozygous with a second variant (PMID: 19318346, 23687349, 29983195, 32747394). Computational prediction algorithms indicate this variant is likely to affect gene or protein function. Given the available evidence, this variant is classified as Likely Pathogenic.

Labcorp Genetics (formerly Invitae), Labcorp
Classification: Pathogenic for Cystic fibrosis. Last evaluated: 2025-07-30. Review status: criteria provided, single submitter. Criteria: Invitae Variant Classification Sherloc (09022015). Collection method: clinical testing. Allele origin: germline.
Comment: This sequence change replaces leucine, which is neutral and non-polar, with serine, which is neutral and polar, at codon 159 of the CFTR protein (p.Leu159Ser). This variant is present in population databases (rs397508727, gnomAD 0.002%). This missense change has been observed in individual(s) with CFTR-related conditions and/or cystic fibrosis (PMID: 19318346, 28603918, 28830496, 29983195; internal data). ClinVar contains an entry for this variant (Variation ID: 53962). Invitae Evidence Modeling of protein sequence and biophysical properties (such as structural, functional, and spatial information, amino acid conservation, physicochemical variation, residue mobility, and thermodynamic stability) indicates that this missense variant is expected to disrupt CFTR protein function with a positive predictive value of 80%. For these reasons, this variant has been classified as Pathogenic.

Fulgent Genetics
Classification: Likely pathogenic for Hereditary pancreatitis; Bronchiectasis with or without elevated sweat chloride 1; Cystic fibrosis; Congenital bilateral aplasia of vas deferens from CFTR mutation. Last evaluated: 2024-02-21. Review status: criteria provided, single submitter. Criteria: ACMG Guidelines, 2015. Collection method: clinical testing. Allele origin: germline.

ARUP Laboratories, Molecular Genetics and Genomics, ARUP Laboratories
Classification: Likely pathogenic. Last evaluated: 2023-06-12. Review status: criteria provided, single submitter. Criteria: ARUP Molecular Germline Variant Investigation Process 2024. Collection method: clinical testing. Allele origin: germline.
Comment: The CFTR c.476T>C; p.Leu159Ser variant (rs397508727) is reported in the literature in the compound heterozygous state with a second pathogenic variant in individuals affected with pancreatic sufficient cystic fibrosis (Alonso 2007, Goubau 2009). This variant is also reported in ClinVar (Variation ID: 53962). It is only observed on three alleles in the Genome Aggregation Database, indicating it is not a common polymorphism. Computational analyses predict that this variant is deleterious (REVEL: 0.816). Based on available information, this variant is considered to be likely pathogenic. References: Alonso MJ et al. Spectrum of mutations in the CFTR gene in cystic fibrosis patients of Spanish ancestry. Ann Hum Genet. 2007 Mar;71(Pt 2):194-201. PMID: 17331079. Goubau C et al. Phenotypic characterisation of patients with intermediate sweat chloride values: towards validation of the European diagnostic algorithm for cystic fibrosis. Thorax. 2009 Aug;64(8):683-91. PMID: 19318346.

Baylor Genetics
Classification: Likely pathogenic for Bronchiectasis with or without elevated sweat chloride 1. Last evaluated: 2023-01-27. Review status: criteria provided, single submitter. Criteria: ACMG Guidelines, 2015. Collection method: clinical testing. Allele origin: unknown.

Institute of Human Genetics, University of Leipzig Medical Center
Classification: Uncertain significance for Cystic fibrosis. Last evaluated: 2022-09-05. Review status: criteria provided, single submitter. Criteria: ACMG Guidelines, 2015. Collection method: curation. Allele origin: unknown. Affected: yes. Observed: 2 variant alleles.
Comment: This variant was identified in 2 unrelated patients with a clinically confirmed diagnosis of cystic fibrosis. The variant was classified in the context of a project re-classifying variants in the German Cystic Fibrosis Registry (Muko.e.V.). Criteria applied: PM3, PM2_SUP, PP3

Ambry Genetics
Classification: Pathogenic for Cystic fibrosis. Last evaluated: 2017-05-25. Review status: criteria provided, single submitter. Criteria: Ambry Variant Classification Scheme 2023. Collection method: clinical testing. Allele origin: germline.
Comment: The p.L159S pathogenic mutation (also known as c.476T>C), located in coding exon 4 of the CFTR gene, results from a T to C substitution at nucleotide position 476. The leucine at codon 159 is replaced by serine, an amino acid with dissimilar properties. This mutation was first reported as identified on two cystic fibrosis chromosomes; however, the complete genotypes were not provided (Alonso MJ et al. Ann. Hum. Genet., 2007 Mar;71:194-201; Storm K et al. J. Cyst. Fibros., 2007 Nov;6:371-5). This mutation was identified in two individuals in conjunction with p.F508del; one individual had pancreatic sufficient cystic fibrosis and the second individual had an intermediate sweat chloride level (Goubau C et al. Thorax, 2009 Aug;64:683-91). Based on our internal structural analysis, this alteration is more destabilizing than known pathogenic alterations within the same domain (Flachowsky S et al. Zentralbl Gynakol, 1986;108:383-5). Based on the supporting evidence, this alteration is interpreted as a disease-causing mutation.

MVZ Martinsried, Medicover Genetics
Classification: Likely pathogenic for Congenital bilateral aplasia of vas deferens from CFTR mutation. Last evaluated: 2017-02-10. Review status: criteria provided, single submitter. Criteria: ACMG Guidelines, 2015. Collection method: clinical testing. Allele origin: unknown. Affected: yes.

Literature cited by the submitters: PubMed 17331079 (cited by Women's Health and Genetics/Laboratory Corporation of America, LabCorp and Ambry Genetics); PubMed 23687349 (cited by Women's Health and Genetics/Laboratory Corporation of America, LabCorp and Natera, Inc.); PubMed 19318346 (cited by 4 submitters); PubMed 17481968 (cited by Women's Health and Genetics/Laboratory Corporation of America, LabCorp and Ambry Genetics); PubMed 28603918 (cited by Women's Health and Genetics/Laboratory Corporation of America, LabCorp and Labcorp Genetics (formerly Invitae), Labcorp); PubMed 33020115 (cited by Women's Health and Genetics/Laboratory Corporation of America, LabCorp); PubMed 38388235 (cited by Women's Health and Genetics/Laboratory Corporation of America, LabCorp); PubMed 29983195 (cited by Natera, Inc. and Labcorp Genetics (formerly Invitae), Labcorp); PubMed 32747394 (cited by Natera, Inc.); PubMed 28830496 (cited by Labcorp Genetics (formerly Invitae), Labcorp); PubMed 3716676 (cited by Ambry Genetics).

NM_000492.4(CFTR):c.476T>C (p.Leu159Ser)

Gene: CFTR (CF transmembrane conductance regulator; plus strand). Cytogenetic location: 7q31.2.
Variant type: single nucleotide variant.
Coding change: c.476T>C on transcript NM_000492.4 (MANE Select); coding-DNA position 476, T replaced by C.
Protein change: p.Leu159Ser; replaces leucine 159 with serine.
Molecular consequence: missense variant.
Genome position (GRCh38, 1-based): chr7:117,531,101, T>C. VCF-style: chr7-117531101-T-C. GRCh37 (hg19) VCF-style: chr7-117171155-T-C.
Other names: short protein forms L159S.
Identifiers: ClinVar variation 53962 (VCV000053962.27), dbSNP rs397508727, ClinGen allele CA327513.